The following is an entry in ClinVar:

ClinVar aggregate classification (germline): Pathogenic. Review status: reviewed by expert panel (3 of 4 stars). 2 submissions from 2 submitters: Pathogenic (1). 1 of the submissions does not count toward it. Last evaluated 2016-09-08.

Conditions:
Breast-ovarian cancer, familial, susceptibility to, 2 (BROVCA2). Also called: BRCA2 Hereditary Breast and Ovarian Cancer. Identifiers: Orphanet 145, MedGen C2675520, MONDO:0012933, OMIM 612555. Disease mechanism: loss of function.

Submissions (2):

Evidence-based Network for the Interpretation of Germline Mutant Alleles (ENIGMA)
Classification: Pathogenic for Breast-ovarian cancer, familial, susceptibility to, 2. Last evaluated: 2016-09-08. Review status: reviewed by expert panel. Criteria: ENIGMA BRCA1/2 Classification Criteria (2015). Collection method: curation. Allele origin: germline.
Comment: Variant allele predicted to encode a truncated non-functional protein.

Breast Cancer Information Core (BIC) (BRCA2)
Classification: Pathogenic for Breast-ovarian cancer, familial 2. Last evaluated: 1997-11-13. Review status: no assertion criteria provided. Collection method: clinical testing. Allele origin: germline. Affected: yes. Observed: 1 variant allele. Not counted in ClinVar's aggregate classification.

NM_000059.4(BRCA2):c.897_898insC (p.Val300fs)

Gene: BRCA2 (BRCA2 DNA repair associated; plus strand). Cytogenetic location: 13q13.1.
Variant type: Insertion.
Coding change: c.897_898insC on transcript NM_000059.4 (MANE Select); coding-DNA positions 897 to 898, C inserted.
Protein change: p.Val300fs; shifts the reading frame from valine 300.
Molecular consequence: frameshift variant.
Genome position: GRCh38 VCF-style: chr13-32332375-T-TC. GRCh37 (hg19) VCF-style: chr13-32906512-T-TC.
Other names: 1125insC; short protein forms V300fs.
Identifiers: ClinVar variation 52719 (VCV000052719.4), dbSNP rs80359735, ClinGen allele CA025909.
Genomic context (GRCh38, chr13:32,332,375, plus strand): 5'-CAAAGACCACATTGGAAAGTCAATGCCAAATGTCCTAGAAGATGAAGTATATGAAACAGT[T>TC]GTAGATACCTCTGAAGAAGATAGTTTTTCATTATGTTTTTCTAAATGTAGAACAAAAAAT-3'